The following is an entry in ClinVar:

ClinVar aggregate classification (germline): Likely pathogenic (1 of 4 stars; one submission).

Submission:

Institute for Clinical Genetics, University Hospital TU Dresden, University Hospital TU Dresden
Classification: Likely pathogenic. Last evaluated: 2022-03-15. Review status: criteria provided, single submitter. Criteria: ACMG Guidelines, 2015. Collection method: clinical testing. Allele origin: germline.
Comment: PP3, PM1, PP4_MOD, PM2_SUP

NM_005188.4(CBL):c.1178T>A (p.Ile393Asn)

Gene: CBL (Cbl proto-oncogene; plus strand). Cytogenetic location: 11q23.3.
Variant type: single nucleotide variant.
Coding change: c.1178T>A on transcript NM_005188.4 (MANE Select); coding-DNA position 1178, T replaced by A.
Protein change: p.Ile393Asn; replaces isoleucine 393 with asparagine.
Molecular consequence: missense variant.
Genome position (GRCh38, 1-based): chr11:119,278,248, T>A. VCF-style: chr11-119278248-T-A. GRCh37 (hg19) VCF-style: chr11-119148958-T-A.
Other names: short protein forms I393N.
Identifiers: ClinVar variation 2575960 (VCV002575960.1), dbSNP rs775272530, ClinGen allele CA382912688.